The following is an entry in ClinVar:

NM_004369.4(COL6A3):c.6414T>A (p.Asp2138Glu)

Gene: COL6A3 (collagen type VI alpha 3 chain; minus strand). Cytogenetic location: 2q37.3.
Variant type: single nucleotide variant.
Coding change: c.6414T>A on transcript NM_004369.4 (MANE Select); coding-DNA position 6414, T replaced by A.
Protein change: p.Asp2138Glu; replaces aspartic acid 2138 with glutamic acid.
Molecular consequence: missense variant.
Genome position (GRCh38, 1-based): chr2:237,358,578, A>T on the plus strand (T>A on the coding strand, the complement: COL6A3 is on the minus strand). VCF-style: chr2-237358578-A-T. GRCh37 (hg19) VCF-style: chr2-238267221-A-T.
Other names: c.4593T>A, p.Asp1531Glu (NM_057166.5); c.5796T>A, p.Asp1932Glu (NM_057167.4); short protein forms D2138E, D1932E, D1531E.
Identifiers: ClinVar variation 3657194 (VCV003657194.2).

ClinVar aggregate classification (germline): Uncertain significance (1 of 4 stars; one submission).

Conditions:
Bethlem myopathy 1A. Also called: Bethlem myopathy 1; MYOPATHY, BENIGN CONGENITAL, WITH CONTRACTURES; Bethlem Muscular Dystrophy. Identifiers: Orphanet 610, MedGen CN029274, MONDO:0024530, OMIM 158810.

gnomAD v4.1: 1 of 1,613,692 alleles (0.000062%); no homozygotes.

Submission:

Labcorp Genetics (formerly Invitae), Labcorp
Classification: Uncertain significance for Bethlem myopathy 1A. Last evaluated: 2024-06-20. Review status: criteria provided, single submitter. Criteria: Invitae Variant Classification Sherloc (09022015). Collection method: clinical testing. Allele origin: germline.
Comment: This sequence change replaces aspartic acid, which is acidic and polar, with glutamic acid, which is acidic and polar, at codon 2138 of the COL6A3 protein (p.Asp2138Glu). This variant is present in population databases (rs765954144, gnomAD 0.01%). This variant has not been reported in the literature in individuals affected with COL6A3-related conditions. Advanced modeling of protein sequence and biophysical properties (such as structural, functional, and spatial information, amino acid conservation, physicochemical variation, residue mobility, and thermodynamic stability) performed at Invitae indicates that this missense variant is not expected to disrupt COL6A3 protein function with a negative predictive value of 80%. In summary, the available evidence is currently insufficient to determine the role of this variant in disease. Therefore, it has been classified as a Variant of Uncertain Significance.